The following is an entry in ClinVar:

NM_001370658.1(BTD):c.737T>A (p.Val246Asp)

Gene: BTD (biotinidase; plus strand). Cytogenetic location: 3p25.1.
Variant type: single nucleotide variant.
Coding change: c.737T>A on transcript NM_001370658.1 (MANE Select); coding-DNA position 737, T replaced by A.
Protein change: p.Val246Asp; replaces valine 246 with aspartic acid.
Molecular consequence: missense variant. On other transcripts: intron variant (6).
Genome position (GRCh38, 1-based): chr3:15,644,653, T>A. VCF-style: chr3-15644653-T-A. GRCh37 (hg19) VCF-style: chr3-15686160-T-A.
Other names: c.737T>A, p.Val246Asp (NM_001281723.4, NM_001281724.3, NM_001281725.3 and 18 more transcripts); c.399+2596T>A (NM_001370753.1, NM_001407400.1, NM_001407380.1 and 3 more transcripts); short protein forms V246D.
Identifiers: ClinVar variation 3006638 (VCV003006638.3), dbSNP rs2471513384, ClinGen allele CA351607245.

ClinVar aggregate classification (germline): Uncertain significance (1 of 4 stars; one submission).

Conditions:
Biotinidase deficiency. Also called: BTD deficiency; Late-onset biotin-responsive multiple carboxylase deficiency; Biotin deficiency. Identifiers: Orphanet 79241, MedGen C0220754, MONDO:0009665, OMIM 253260.

Submission:

Labcorp Genetics (formerly Invitae), Labcorp
Classification: Uncertain significance for Biotinidase deficiency. Last evaluated: 2023-05-09. Review status: criteria provided, single submitter. Criteria: Invitae Variant Classification Sherloc (09022015). Collection method: clinical testing. Allele origin: germline.
Comment: This sequence change replaces valine, which is neutral and non-polar, with aspartic acid, which is acidic and polar, at codon 266 of the BTD protein (p.Val266Asp). This variant is not present in population databases (gnomAD no frequency). This variant has not been reported in the literature in individuals affected with BTD-related conditions. Advanced modeling of protein sequence and biophysical properties (such as structural, functional, and spatial information, amino acid conservation, physicochemical variation, residue mobility, and thermodynamic stability) performed at Invitae indicates that this missense variant is expected to disrupt BTD protein function. In summary, the available evidence is currently insufficient to determine the role of this variant in disease. Therefore, it has been classified as a Variant of Uncertain Significance.